The following is an entry in ClinVar:

ClinVar aggregate classification (germline): Likely pathogenic (1 of 4 stars; one submission).

Conditions:
alpha Thalassemia. Also called: Alpha thalassemia spectrum. Identifiers: Orphanet 846, MedGen C0002312, MONDO:0011399, OMIM 604131.

Submission:

Natera, Inc.
Classification: Likely pathogenic for Alpha thalassemia. Last evaluated: 2025-07-23. Review status: criteria provided, single submitter. Criteria: Natera Variant Classification Schema (03/2026). Collection method: clinical testing. Allele origin: germline.
Comment: The c.121_124del variant in HBA2 is a frameshift variant predicted to shift the reading frame beginning at codon 41 and leads to a stop codon 8 codons downstream. This variant is expected to result in nonsense mediated decay, truncation, or a dysfunctional protein product. This variant is rare in the general population with a frequency below the threshold expected for the associated phenotype(s). Given the available evidence, this variant is classified as Likely Pathogenic.

NM_000517.6(HBA2):c.121_124del (p.Lys41fs)

Genes: HBA2 (hemoglobin subunit alpha 2; plus strand), LOC106804612 (hemoglobin subunit alpha 2 recombination region; plus strand). Cytogenetic location: 16p13.3.
Variant type: Deletion.
Coding change: c.121_124del on transcript NM_000517.6 (MANE Select); coding-DNA positions 121 to 124, 4 bases deleted (AAGA; older notation c.121_124delAAGA).
Protein change: p.Lys41fs; shifts the reading frame from lysine 41.
Molecular consequence: frameshift variant.
Genome position (GRCh38, 1-based): chr16:173,150-173,153, AAGA deleted. VCF-style (leftmost placement, unchanged base first): chr16-173149-CAAGA-C. GRCh37 (hg19) VCF-style: chr16-223148-CAAGA-C.
Other names: short protein forms K41fs.
Identifiers: ClinVar variation 4818617 (VCV004818617.1).